The following is an entry in ClinVar:

NM_000288.4(PEX7):c.130+7C>T

Gene: PEX7 (peroxisomal biogenesis factor 7; plus strand). Cytogenetic location: 6q23.3.
Variant type: single nucleotide variant.
Coding change: c.130+7C>T on transcript NM_000288.4 (MANE Select); 7 bases into the intron after coding-DNA position 130, C replaced by T.
Molecular consequence: intron variant.
Genome position (GRCh38, 1-based): chr6:136,822,802, C>T. VCF-style: chr6-136822802-C-T. GRCh37 (hg19) VCF-style: chr6-137143940-C-T.
Other names: c.130+7C>T (NM_000288.3).
Identifiers: ClinVar variation 2167519 (VCV002167519.5), dbSNP rs1342712596, ClinGen allele CA570743867.

ClinVar aggregate classification (germline): Likely benign. Review status: criteria provided, multiple submitters, no conflicts (2 of 4 stars). 2 submissions from 2 submitters: Likely benign (2). Last evaluated 2026-08-23.

Conditions:
PEX7-related disorder. Also called: PEX7-related disorders; PEX7-related condition. Identifiers: MedGen CN239409.
Peroxisome biogenesis disorder 9B. Also called: PEX7-Related Refsum Disease; PEROXISOME BIOGENESIS DISORDER, PEX7-RELATED, ATYPICAL; Refsum disease, adult, 2. Identifiers: Orphanet 773, MedGen C2749346, MONDO:0013945, OMIM 614879.

Allele frequency attached by ClinVar (database versions not stated): TOPMed below 0.00001; gnomAD 0.00001.
gnomAD v4.1: 6 of 1,289,634 alleles (0.00047%); highest among the groups gnomAD compares: East Asian, 0.0033%; no homozygotes.

Submissions (2):

PreventionGenetics, part of Exact Sciences
Classification: Likely benign for PEX7-related condition. Last evaluated: 2026-08-23. Review status: criteria provided, single submitter. Criteria: ACMG Guidelines, 2015. Collection method: clinical testing. Allele origin: germline.
Comment: This variant is classified as likely benign based on ACMG/AMP sequence variant interpretation guidelines (Richards et al. 2015 PMID: 25741868, with internal and published modifications).

Labcorp Genetics (formerly Invitae), Labcorp
Classification: Likely benign for Peroxisome biogenesis disorder 9B. Last evaluated: 2023-01-05. Review status: criteria provided, single submitter. Criteria: Invitae Variant Classification Sherloc (09022015). Collection method: clinical testing. Allele origin: germline.